The following is an entry in ClinVar:

ClinVar aggregate classification (germline): Conflicting classifications of pathogenicity. Review status: criteria provided, conflicting classifications (1 of 4 stars). 4 submissions from 4 submitters: Uncertain significance (1); Likely benign (2). 1 of the submissions does not count toward it. Last evaluated 2025-12-08.

Conditions:
POLG-related disorder. Also called: POLG-related condition; POLG-Related Disorders; POLG-Related Spectrum Disorders. Identifiers: MedGen C4763519.
Progressive sclerosing poliodystrophy (MTDPS4A). Also called: ALPERS PROGRESSIVE INFANTILE POLIODYSTROPHY; NEURONAL DEGENERATION OF CHILDHOOD WITH LIVER DISEASE, PROGRESSIVE; Alpers-Huttenlocher Syndrome (AHS); Alpers Syndrome; Mitochondrial DNA Depletion Syndrome 4A; ALPERS DIFFUSE DEGENERATION OF CEREBRAL GRAY MATTER WITH HEPATIC CIRRHOSIS. Identifiers: Orphanet 726, MedGen C0205710, MONDO:0008758, OMIM 203700.

Allele frequency attached by ClinVar (database versions not stated): gnomAD below 0.00001 and 0.00001; TOPMed 0.00001.
gnomAD v4.1: 10 of 1,614,042 alleles (0.00062%); highest among the groups gnomAD compares: East Asian, 0.0067%; no homozygotes.

Submissions (4):

Labcorp Genetics (formerly Invitae), Labcorp
Classification: Likely benign for Progressive sclerosing poliodystrophy. Last evaluated: 2025-12-08. Review status: criteria provided, single submitter. Criteria: Invitae Variant Classification Sherloc (09022015). Collection method: clinical testing. Allele origin: germline.

Illumina Laboratory Services, Illumina
Classification: Uncertain significance for POLG-Related Spectrum Disorders. Last evaluated: 2017-04-27. Review status: criteria provided, single submitter. Criteria: ICSL Variant Classification Criteria 13 December 2019. Collection method: clinical testing. Allele origin: germline.

GeneDx
Classification: Likely benign. Last evaluated: 2015-11-02. Review status: criteria provided, single submitter. Criteria: GeneDx Variant Classification (06012015). Collection method: clinical testing. Allele origin: germline. Affected: yes.
Comment: This variant is considered likely benign or benign based on one or more of the following criteria: it is a conservative change, it occurs at a poorly conserved position in the protein, it is predicted to be benign by multiple in silico algorithms, and/or has population frequency not consistent with disease.

PreventionGenetics, part of Exact Sciences
Classification: Likely benign for POLG-related condition. Last evaluated: 2024-09-25. Review status: no assertion criteria provided. Collection method: clinical testing. Allele origin: germline. Not counted in ClinVar's aggregate classification.
Comment: This variant is classified as likely benign based on ACMG/AMP sequence variant interpretation guidelines (Richards et al. 2015 PMID: 25741868, with internal and published modifications).

NM_002693.3(POLG):c.1629C>T (p.Val543=)

Gene: POLG (DNA polymerase gamma, catalytic subunit; minus strand). Cytogenetic location: 15q26.1.
Variant type: single nucleotide variant.
Coding change: c.1629C>T on transcript NM_002693.3 (MANE Select); coding-DNA position 1629, C replaced by T.
Protein change: p.Val543=; no amino-acid change (valine 543 retained).
Molecular consequence: synonymous variant.
Genome position (GRCh38, 1-based): chr15:89,326,695, G>A on the plus strand (C>T on the coding strand, the complement: POLG is on the minus strand). VCF-style: chr15-89326695-G-A. GRCh37 (hg19) VCF-style: chr15-89869926-G-A.
Other names: c.1629C>T, p.Val543= (NM_001126131.2).
Identifiers: ClinVar variation 381078 (VCV000381078.13), dbSNP rs56349446, ClinGen allele CA7724742.
Genomic context (GRCh38, chr15:89,326,695, plus strand): 5'-GGGCCGCTTGGGCAGGAGCTCTGTGGTCCCCTTCAGCTTCTGCAAGCAGGCGCGGGCCAT[G>A]ACATCTTGTTGAAACTCCTCCTCCTCACTGCAGGGGCCGAGGTCTGTGAGGGTGGGGGAA-3'
Protein context (NP_002684.1, residues 533-553): CSEEEEFQQD[Val543=]MARACLQKLK